The following is an entry in ClinVar:

ClinVar aggregate classification (germline): Benign/Likely benign. Review status: criteria provided, multiple submitters, no conflicts (2 of 4 stars). 3 submissions from 3 submitters: Benign (1); Likely benign (2). Last evaluated 2026-04-17.

Conditions:
Hereditary cancer-predisposing syndrome. Also called: Hereditary neoplastic syndrome; Neoplastic Syndromes, Hereditary; Hereditary Cancer Syndrome; Tumor predisposition. Identifiers: Orphanet 140162, MedGen C0027672, MeSH D009386, MONDO:0015356.
DICER1-related tumor predisposition. Also called: DICER1-related pleuropulmonary blastoma cancer predisposition syndrome; DICER1 syndrome. Identifiers: Orphanet 284343, MedGen C3839822, MONDO:0100216.

Allele frequency attached by ClinVar (database versions not stated): gnomAD 0.00001; TOPMed 0.00001; gnomAD exomes 0.00002 and 0.00001.

Submissions (3):

Myriad Genetics, Inc.
Classification: Benign for DICER1-related tumor predisposition. Last evaluated: 2026-04-17. Review status: criteria provided, single submitter. Criteria: Myriad Autosomal Dominant, Autosomal Recessive and X-Linked Classification Criteria (2023). Collection method: clinical testing. Allele origin: unknown.
Comment: This variant is considered benign. This variant is a silent/synonymous amino acid change and it is not expected to impact splicing.

Labcorp Genetics (formerly Invitae), Labcorp
Classification: Likely benign for DICER1-related tumor predisposition. Last evaluated: 2026-01-26. Review status: criteria provided, single submitter. Criteria: Invitae Variant Classification Sherloc (09022015). Collection method: clinical testing. Allele origin: germline.

Ambry Genetics
Classification: Likely benign for Hereditary cancer-predisposing syndrome. Last evaluated: 2018-06-18. Review status: criteria provided, single submitter. Criteria: Ambry Variant Classification Scheme 2023. Collection method: clinical testing. Allele origin: germline.

NM_177438.3(DICER1):c.3288C>T (p.Phe1096=)

Gene: DICER1 (dicer 1, ribonuclease III; minus strand). Cytogenetic location: 14q32.13.
Variant type: single nucleotide variant.
Coding change: c.3288C>T on transcript NM_177438.3 (MANE Select); coding-DNA position 3288, C replaced by T.
Protein change: p.Phe1096=; no amino-acid change (phenylalanine 1096 retained).
Molecular consequence: synonymous variant.
Genome position (GRCh38, 1-based): chr14:95,104,108, G>A on the plus strand (C>T on the coding strand, the complement: DICER1 is on the minus strand). VCF-style: chr14-95104108-G-A. GRCh37 (hg19) VCF-style: chr14-95570445-G-A.
Other names: c.3288C>T, p.Phe1096= (NM_001195573.1, NM_001271282.3, NM_001291628.2 and 1 more transcripts).
Identifiers: ClinVar variation 477133 (VCV000477133.18), dbSNP rs761973752, ClinGen allele CA265906375.
Genomic context (GRCh38, chr14:95,104,108, plus strand): 5'-AGCTGAAGAGGAGTTAGAAATTGAGATGAAAGATTTGCTGTCAATAGATTTTTTCCACCC[G>A]AAGTCTAAGTTAGGGTATCTGCAAAGACATTTTTATAACTTTACATCAGATTCTTCAAAA-3'
Protein context (NP_803187.1, residues 1086-1106): PADFRYPNLD[Phe1096=]GWKKSIDSKS